The following is an entry in ClinVar:

ClinVar aggregate classification (germline): Uncertain significance (1 of 4 stars; one submission).

Conditions:
Kleefstra syndrome 1 (KLEFS1). Identifiers: Orphanet 261494, MedGen C0795833, MONDO:0027407, OMIM 610253.

Submission:

Clinical Genetics Center, Xinhua Hospital affiliated to Shanghai Jiao Tong University School of Medicine
Classification: Uncertain significance for Kleefstra syndrome 1. Last evaluated: 2024-11-01. Review status: criteria provided, single submitter. Criteria: ACMG Guidelines, 2015. Collection method: clinical testing. Allele origin: de novo. Affected: yes.
Comment: PM6+PM2_Supporting+PP3

NM_024757.5(EHMT1):c.3073T>C (p.Cys1025Arg)

Gene: EHMT1 (euchromatic histone lysine methyltransferase 1; plus strand). Cytogenetic location: 9q34.3.
Variant type: single nucleotide variant.
Coding change: c.3073T>C on transcript NM_024757.5 (MANE Select); coding-DNA position 3073, T replaced by C.
Protein change: p.Cys1025Arg; replaces cysteine 1025 with arginine.
Molecular consequence: missense variant.
Genome position (GRCh38, 1-based): chr9:137,813,423, T>C. VCF-style: chr9-137813423-T-C. GRCh37 (hg19) VCF-style: chr9-140707875-T-C.
Other names: c.3052T>C, p.Cys1018Arg (NM_001354263.2); short protein forms C1018R, C1025R.
Identifiers: ClinVar variation 3391429 (VCV003391429.1).